The following is an entry in ClinVar:

ClinVar aggregate classification (germline): Uncertain significance (1 of 4 stars; one submission).

Conditions:
Primary ciliary dyskinesia. Also called: Ciliary dyskinesia. Identifiers: Orphanet 244, MedGen C0008780, MONDO:0016575, HP:0012265.

Submission:

Ambry Genetics
Classification: Uncertain significance for Primary ciliary dyskinesia. Last evaluated: 2024-09-27. Review status: criteria provided, single submitter. Criteria: Ambry Variant Classification Scheme 2023. Collection method: clinical testing. Allele origin: germline.
Comment: The c.830A>G variant (also known as p.*277Wext*9), located in coding exon 5 of the RSPH9 gene, results from an A to G substitution at nucleotide position 830. This alteration disrupts the stop codon of the RSPH9 gene and is predicted to preserve the native sequence while resulting in the elongation of the protein by 9 amino acids. The exact functional effect of the additional amino acids is unknown. Based on the available evidence, the clinical significance of this variant remains unclear.

NM_152732.5(RSPH9):c.830A>G (p.Ter277Trp)

Gene: RSPH9 (radial spoke head component 9; plus strand). Cytogenetic location: 6p21.1.
Variant type: single nucleotide variant.
Coding change: c.830A>G on transcript NM_152732.5 (MANE Select); coding-DNA position 830, A replaced by G.
Protein change: p.Ter277Trp.
Molecular consequence: stop lost. On other transcripts: missense variant (2), non-coding transcript variant (2).
Genome position (GRCh38, 1-based): chr6:43,670,948, A>G. VCF-style: chr6-43670948-A-G. GRCh37 (hg19) VCF-style: chr6-43638685-A-G.
Other names: c.882A>G, p.Ile294Met (NM_001193341.2); c.927A>G, p.Ile309Met (NM_001424119.1); c.785A>G, p.Ter262Trp (NM_001424120.1); short protein forms I294M, I309M.
Identifiers: ClinVar variation 3435850 (VCV003435850.1).